The following is an entry in ClinVar:

NM_024408.4(NOTCH2):c.5174A>C (p.Lys1725Thr)

Gene: NOTCH2 (notch receptor 2; minus strand). Cytogenetic location: 1p12.
Variant type: single nucleotide variant.
Coding change: c.5174A>C on transcript NM_024408.4 (MANE Select); coding-DNA position 5174, A replaced by C.
Protein change: p.Lys1725Thr; replaces lysine 1725 with threonine.
Molecular consequence: missense variant.
Genome position (GRCh38, 1-based): chr1:119,922,275, T>G on the plus strand (A>C on the coding strand, the complement: NOTCH2 is on the minus strand). VCF-style: chr1-119922275-T-G. GRCh37 (hg19) VCF-style: chr1-120464898-T-G.
Other names: short protein forms K1725T.
Identifiers: ClinVar variation 4741253 (VCV004741253.1).

ClinVar aggregate classification (germline): Uncertain significance (1 of 4 stars; one submission).

Conditions:
Hajdu-Cheney syndrome (HJCYS). Also called: Acroosteolysis dominant type; ACROOSTEOLYSIS WITH OSTEOPOROSIS AND CHANGES IN SKULL AND MANDIBLE; SERPENTINE FIBULA-POLYCYSTIC KIDNEY SYNDROME. Identifiers: Orphanet 955, MedGen C0917715, MONDO:0007057, OMIM 102500.

gnomAD v4.1: 1 of 1,614,140 alleles (0.000062%); highest among the groups gnomAD compares: Admixed American, 0.0017%; no homozygotes.

Submission:

Labcorp Genetics (formerly Invitae), Labcorp
Classification: Uncertain significance for Hajdu-Cheney syndrome. Last evaluated: 2025-10-17. Review status: criteria provided, single submitter. Criteria: Invitae Variant Classification Sherloc (09022015). Collection method: clinical testing. Allele origin: germline.
Comment: This sequence change replaces lysine, which is basic and polar, with threonine, which is neutral and polar, at codon 1725 of the NOTCH2 protein (p.Lys1725Thr). This variant is present in population databases (no rsID available, gnomAD 0.003%). This variant has not been reported in the literature in individuals affected with NOTCH2-related conditions. Invitae Evidence Modeling of protein sequence and biophysical properties (such as structural, functional, and spatial information, amino acid conservation, physicochemical variation, residue mobility, and thermodynamic stability) indicates that this missense variant is not expected to disrupt NOTCH2 protein function with a negative predictive value of 80%. In summary, the available evidence is currently insufficient to determine the role of this variant in disease. Therefore, it has been classified as a Variant of Uncertain Significance.